The following is an entry in ClinVar:

ClinVar aggregate classification (germline): Uncertain significance (1 of 4 stars; one submission).

Submission:

GeneDx
Classification: Uncertain significance. Last evaluated: 2021-12-03. Review status: criteria provided, single submitter. Criteria: GeneDx Variant Classification Process June 2021. Collection method: clinical testing. Allele origin: germline. Affected: yes.
Comment: Not observed at significant frequency in large population cohorts (Lek et al., 2016); In silico analysis supports that this missense variant has a deleterious effect on protein structure/function; Has not been previously published as pathogenic or benign to our knowledge

NM_001330260.2(SCN8A):c.5108C>A (p.Thr1703Asn)

Gene: SCN8A (sodium voltage-gated channel alpha subunit 8; plus strand). Cytogenetic location: 12q13.13.
Variant type: single nucleotide variant.
Coding change: c.5108C>A on transcript NM_001330260.2 (MANE Select); coding-DNA position 5108, C replaced by A.
Protein change: p.Thr1703Asn; replaces threonine 1703 with asparagine.
Molecular consequence: missense variant.
Genome position (GRCh38, 1-based): chr12:51,806,594, C>A. VCF-style: chr12-51806594-C-A. GRCh37 (hg19) VCF-style: chr12-52200378-C-A.
Other names: c.4985C>A, p.Thr1662Asn (NM_001177984.3, NM_001369788.1); c.5108C>A, p.Thr1703Asn (NM_014191.4); short protein forms T1662N, T1703N.
Identifiers: ClinVar variation 1327187 (VCV001327187.2), dbSNP rs2138942878, ClinGen allele CA384883388.